The following is an entry in ClinVar:

ClinVar aggregate classification (germline): Pathogenic. Review status: criteria provided, multiple submitters, no conflicts (2 of 4 stars). 2 submissions from 2 submitters: Pathogenic (2). Last evaluated 2022-10-31.

Conditions:
Intellectual developmental disorder, X-linked 19. Also called: Intellectual disability, X-linked 19. Identifiers: Orphanet 777, MedGen C0796225, MONDO:0010447, OMIM 300844.

Submissions (2):

Laboratorio de Genetica e Diagnostico Molecular, Hospital Israelita Albert Einstein
Classification: Pathogenic for Intellectual developmental disorder, X-linked 19. Last evaluated: 2022-10-31. Review status: criteria provided, single submitter. Criteria: ACMG Guidelines, 2015. Collection method: clinical testing. Allele origin: germline. Affected: yes. Observed: 1 variant allele.
Comment: ACMG classification criteria: PVS1 very strong, PS4 supporting, PM2 moderated, PM6 moderated

Genetic Services Laboratory, University of Chicago
Classification: Pathogenic for Mental retardation, X-linked 19. Last evaluated: 2015-03-24. Review status: criteria provided, single submitter. Criteria: ACMG Guidelines, 2015. Collection method: clinical testing. Allele origin: germline. Affected: yes.

NM_004586.3(RPS6KA3):c.1304_1307del (p.Val435fs)

Gene: RPS6KA3 (ribosomal protein S6 kinase A3; minus strand). Cytogenetic location: Xp22.12.
Variant type: Deletion.
Coding change: c.1304_1307del on transcript NM_004586.3 (MANE Select); coding-DNA positions 1304 to 1307, 4 bases deleted (TTTG; older notation c.1304_1307delTTTG).
Protein change: p.Val435fs; shifts the reading frame from valine 435.
Molecular consequence: frameshift variant.
Genome position (GRCh38, 1-based): chrX:20,172,792-20,172,795, CAAA deleted on the plus strand (TTTG on the coding strand, the reverse complement: RPS6KA3 is on the minus strand); deleting any 4 consecutive bases within chrX:20,172,792-20,172,797 gives the same sequence; the c. name uses the placement nearest the transcript's 3' end. VCF-style (leftmost placement, unchanged base first): chrX-20172791-GCAAA-G. GRCh37 (hg19) VCF-style: chrX-20190909-GCAAA-G.
Other names: short protein forms V435fs.
Identifiers: ClinVar variation 212067 (VCV000212067.7), dbSNP rs797045920, ClinGen allele CA206513.
Genomic context (GRCh38, chrX:20,172,791, plus strand): 5'-ATAAAAAAAATTTACCTTCACTGCAAACTCCATGTTTGTAGCTTTATGTATACATCTCTT[GCAAA>G]CAGAGTAGGAGCCAACTCCAATATCTTCTTTTACTTCATATCCATCAGTAAACTGAATAC-3'